The following is an entry in ClinVar:

NM_017780.4(CHD7):c.1561C>T (p.Pro521Ser)

Gene: CHD7 (chromodomain helicase DNA binding protein 7; plus strand). Cytogenetic location: 8q12.2.
Variant type: single nucleotide variant.
Coding change: c.1561C>T on transcript NM_017780.4 (MANE Select); coding-DNA position 1561, C replaced by T.
Protein change: p.Pro521Ser; replaces proline 521 with serine.
Molecular consequence: missense variant.
Genome position (GRCh38, 1-based): chr8:60,742,993, C>T. VCF-style: chr8-60742993-C-T. GRCh37 (hg19) VCF-style: chr8-61655552-C-T.
Other names: c.1561C>T, p.Pro521Ser (NM_001316690.1); short protein forms P521S.
Identifiers: ClinVar variation 4802747 (VCV004802747.1).

ClinVar aggregate classification (germline): Uncertain significance (1 of 4 stars; one submission).

Conditions:
CHARGE syndrome (CHARGE). Also called: Hittner Hirsch Kreh syndrome; CHARGE ASSOCIATION--COLOBOMA, HEART ANOMALY, CHOANAL ATRESIA, RETARDATION, GENITAL AND EAR ANOMALIES; Coloboma, heart anomaly, choanal atresia, retardation, genital and ear anomalies; CHARGE association; Hall-Hittner syndrome. Identifiers: Orphanet 138, MedGen C0265354, MONDO:0008965.

Submission:

Labcorp Genetics (formerly Invitae), Labcorp
Classification: Uncertain significance for CHARGE syndrome. Last evaluated: 2025-11-25. Review status: criteria provided, single submitter. Criteria: Invitae Variant Classification Sherloc (09022015). Collection method: clinical testing. Allele origin: germline.
Comment: This sequence change replaces proline, which is neutral and non-polar, with serine, which is neutral and polar, at codon 521 of the CHD7 protein (p.Pro521Ser). This variant is not present in population databases (gnomAD no frequency). This variant has not been reported in the literature in individuals affected with CHD7-related conditions. Invitae Evidence Modeling of protein sequence and biophysical properties (such as structural, functional, and spatial information, amino acid conservation, physicochemical variation, residue mobility, and thermodynamic stability) indicates that this missense variant is not expected to disrupt CHD7 protein function with a negative predictive value of 95%. In summary, the available evidence is currently insufficient to determine the role of this variant in disease. Therefore, it has been classified as a Variant of Uncertain Significance.